The following is an entry in ClinVar:

ClinVar aggregate classification (germline): Likely benign. Review status: reviewed by expert panel (3 of 4 stars). 10 submissions from 10 submitters: Likely benign (1). 9 of the submissions do not count toward it. Last evaluated 2017-06-29.

Conditions:
BRCA2-related disorder. Also called: BRCA2-related condition; BRCA2-related disorders. Identifiers: MedGen CN239275.
Hereditary cancer-predisposing syndrome. Also called: Tumor predisposition; Hereditary neoplastic syndrome; Neoplastic Syndromes, Hereditary; Hereditary Cancer Syndrome. Identifiers: Orphanet 140162, MedGen C0027672, MeSH D009386, MONDO:0015356.
Hereditary breast ovarian cancer syndrome. Also called: Hereditary breast and ovarian cancer; BRCA1- and BRCA2-Associated Hereditary Breast and Ovarian Cancer; Hereditary breast and/or ovarian cancer syndrome; Hereditary breast and ovarian cancer syndrome; Hereditary breast and ovarian cancer syndrome (HBOC); Breast and ovarian cancer. Identifiers: Orphanet 145, MedGen C0677776, MeSH D061325, MONDO:0003582. Disease mechanism: loss of function.
Breast-ovarian cancer, familial, susceptibility to, 2 (BROVCA2). Also called: BRCA2 Hereditary Breast and Ovarian Cancer. Identifiers: Orphanet 145, MedGen C2675520, MONDO:0012933, OMIM 612555. Disease mechanism: loss of function.

Allele frequency attached by ClinVar (database versions not stated): gnomAD 0.00001; TOPMed 0.00002.
gnomAD v4.1: 2 of 1,613,866 alleles (0.00012%); highest among the groups gnomAD compares: African/African-American, 0.0027%; no homozygotes.

Submissions (10):

Evidence-based Network for the Interpretation of Germline Mutant Alleles (ENIGMA)
Classification: Likely benign for Breast-ovarian cancer, familial, susceptibility to, 2. Last evaluated: 2017-06-29. Review status: reviewed by expert panel. Criteria: ENIGMA BRCA1/2 Classification Criteria (2017-06-29). Collection method: curation. Allele origin: germline.
Comment: Synonymous substitution variant, with low bioinformatic likelihood to result in a splicing aberration (Splicing prior probability 0.02).

Labcorp Genetics (formerly Invitae), Labcorp
Classification: Likely benign for Hereditary breast ovarian cancer syndrome. Last evaluated: 2025-07-29. Review status: criteria provided, single submitter. Criteria: Invitae Variant Classification Sherloc (09022015). Collection method: clinical testing. Allele origin: germline. Not counted in ClinVar's aggregate classification.

Women's Health and Genetics/Laboratory Corporation of America, LabCorp
Classification: Likely benign. Last evaluated: 2024-12-06. Review status: criteria provided, single submitter. Criteria: LabCorp Variant Classification Summary - May 2015. Collection method: clinical testing. Allele origin: germline. Not counted in ClinVar's aggregate classification.

All of Us Research Program, National Institutes of Health
Classification: Likely benign for Breast-ovarian cancer, familial, susceptibility to, 2. Last evaluated: 2023-04-03. Review status: criteria provided, single submitter. Criteria: ACMG Guidelines, 2015. Collection method: clinical testing. Allele origin: germline. Inheritance: Autosomal dominant inheritance. Observed: 1 variant allele, 1 heterozygote. Not counted in ClinVar's aggregate classification.
Comment: This study involves interpretation of variants in research participants for the purpose of population health screening. Participant phenotype was not available at the time of variant classification. Additional details can be found in publication PMID: 35346344, PMCID: PMC8962531

Quest Diagnostics Nichols Institute San Juan Capistrano
Classification: Likely benign. Last evaluated: 2021-03-16. Review status: criteria provided, single submitter. Criteria: Quest Diagnostics criteria. Collection method: clinical testing. Allele origin: unknown. Not counted in ClinVar's aggregate classification.

Ambry Genetics
Classification: Likely benign for Hereditary cancer-predisposing syndrome. Last evaluated: 2019-04-14. Review status: criteria provided, single submitter. Criteria: Ambry Variant Classification Scheme 2023. Collection method: clinical testing. Allele origin: germline. Not counted in ClinVar's aggregate classification.

Color Diagnostics, LLC DBA Color Health
Classification: Likely benign for Hereditary cancer-predisposing syndrome. Last evaluated: 2018-03-19. Review status: criteria provided, single submitter. Criteria: ACMG Guidelines, 2015. Collection method: clinical testing. Allele origin: germline. Not counted in ClinVar's aggregate classification.

Genetic Services Laboratory, University of Chicago
Classification: Likely benign. Last evaluated: 2017-01-09. Review status: criteria provided, single submitter. Criteria: ACMG Guidelines, 2015. Collection method: clinical testing. Allele origin: germline. Affected: no. Not counted in ClinVar's aggregate classification.

GeneDx
Classification: Likely benign. Last evaluated: 2016-03-31. Review status: criteria provided, single submitter. Criteria: GeneDx Variant Classification (06012015). Collection method: clinical testing. Allele origin: germline. Affected: yes. Not counted in ClinVar's aggregate classification.
Comment: This variant is considered likely benign or benign based on one or more of the following criteria: it is a conservative change, it occurs at a poorly conserved position in the protein, it is predicted to be benign by multiple in silico algorithms, and/or has population frequency not consistent with disease.

PreventionGenetics, part of Exact Sciences
Classification: Likely benign for BRCA2-related condition. Last evaluated: 2024-08-14. Review status: no assertion criteria provided. Collection method: clinical testing. Allele origin: germline. Not counted in ClinVar's aggregate classification.
Comment: This variant is classified as likely benign based on ACMG/AMP sequence variant interpretation guidelines (Richards et al. 2015 PMID: 25741868, with internal and published modifications).

NM_000059.4(BRCA2):c.6810A>G (p.Gly2270=)

Gene: BRCA2 (BRCA2 DNA repair associated; plus strand). Cytogenetic location: 13q13.1.
Variant type: single nucleotide variant.
Coding change: c.6810A>G on transcript NM_000059.4 (MANE Select); coding-DNA position 6810, A replaced by G.
Protein change: p.Gly2270=; no amino-acid change (glycine 2270 retained).
Molecular consequence: synonymous variant.
Genome position (GRCh38, 1-based): chr13:32,341,165, A>G. VCF-style: chr13-32341165-A-G. GRCh37 (hg19) VCF-style: chr13-32915302-A-G.
Identifiers: ClinVar variation 220366 (VCV000220366.26), dbSNP rs864622496, ClinGen allele CA349671.